The following is an entry in ClinVar:

ClinVar aggregate classification (germline): Uncertain significance (1 of 4 stars; one submission).

Submission:

GeneDx
Classification: Uncertain significance. Last evaluated: 2025-07-30. Review status: criteria provided, single submitter. Criteria: GeneDx Variant Classification Process June 2021. Collection method: clinical testing. Allele origin: germline. Affected: yes.
Comment: Not observed at significant frequency in large population cohorts (gnomAD); In silico analysis suggests that this missense variant does not alter protein structure/function; Has not been previously published as pathogenic or benign to our knowledge

NM_001308093.3(GATA4):c.334G>A (p.Gly112Arg)

Gene: GATA4 (GATA binding protein 4). Cytogenetic location: 8p23.1.
Variant type: single nucleotide variant.
Coding change: c.334G>A on transcript NM_001308093.3 (MANE Select); coding-DNA position 334, G replaced by A.
Protein change: p.Gly112Arg; replaces glycine 112 with arginine.
Molecular consequence: missense variant. On other transcripts: intron variant (3).
Genome position (GRCh38, 1-based): chr8:11,708,646, G>A. VCF-style: chr8-11708646-G-A. GRCh37 (hg19) VCF-style: chr8-11566155-G-A.
Other names: c.334G>A, p.Gly112Arg (NM_002052.5); c.-6+7868G>A (NM_001308094.2); c.-3+632G>A (NM_001374274.1); c.-3+4342G>A (NM_001374273.1); short protein forms G112R.
Identifiers: ClinVar variation 4689948 (VCV004689948.1).